The following is an entry in ClinVar:

NM_004727.3(SLC24A1):c.*1618A>G

Gene: SLC24A1 (solute carrier family 24 member 1; plus strand). Cytogenetic location: 15q22.31.
Variant type: single nucleotide variant.
Coding change: c.*1618A>G on transcript NM_004727.3 (MANE Select); 1618 bases downstream of the stop codon, A replaced by G.
Molecular consequence: 3 prime UTR variant. On other transcripts: intron variant (1).
Genome position (GRCh38, 1-based): chr15:65,655,697, A>G. VCF-style: chr15-65655697-A-G. GRCh37 (hg19) VCF-style: chr15-65948035-A-G.
Other names: c.*1618A>G (NM_001301031.1, NM_001301032.1, NM_001254740.2); c.2996+2889A>G (NM_001301033.2).
Identifiers: ClinVar variation 316825 (VCV000316825.6), dbSNP rs62014380, ClinGen allele CA10646476.

ClinVar aggregate classification (germline): Benign. Review status: criteria provided, multiple submitters, no conflicts (2 of 4 stars). 2 submissions from 2 submitters: Benign (2). Last evaluated 2018-01-13.

Conditions:
Congenital stationary night blindness 1D. Also called: Night blindness, congenital stationary (complete), 1D, autosomal recessive. Identifiers: Orphanet 215, MedGen C3151193, MONDO:0013450, OMIM 613830.

Allele frequency attached by ClinVar (database versions not stated): 1000 Genomes Project 0.06190; gnomAD exomes 0.06229; 1000 Genomes Project 30x 0.06387; gnomAD 0.06790 and 0.06922; TOPMed 0.07002.
gnomAD v4.1: 62,366 of 985,280 alleles (6.3%); highest among the groups gnomAD compares: African/African-American, 11%; 2,143 homozygotes.

Submissions (2):

Illumina Laboratory Services, Illumina
Classification: Benign for Congenital stationary night blindness 1D. Last evaluated: 2018-01-13. Review status: criteria provided, single submitter. Criteria: ICSL Variant Classification Criteria 13 December 2019. Collection method: clinical testing. Allele origin: germline.
Comment: This variant was observed in the ICSL laboratory as part of a predisposition screen in an ostensibly healthy population. It had not been previously curated by ICSL or reported in the Human Gene Mutation Database (HGMD: prior to June 1st, 2018), and was therefore a candidate for classification through an automated scoring system. Utilizing variant allele frequency, disease prevalence and penetrance estimates, and inheritance mode, an automated score was calculated to assess if this variant is too frequent to cause the disease. Based on the score and internal cut-off values, a variant classified as benign is not then subjected to further curation. The score for this variant resulted in a classification of benign for this disease.

Breakthrough Genomics
Classification: Benign. Review status: criteria provided, single submitter. Criteria: ACMG Guidelines, 2015. Collection method: not provided. Allele origin: germline. Inheritance: Autosomal recessive inheritance. Affected: yes.